The following is an entry in ClinVar:

ClinVar aggregate classification (germline): Pathogenic (1 of 4 stars; one submission).

Conditions:
Pyruvate dehydrogenase E3 deficiency (DLDD). Also called: Dihydrolipoamide Dehydrogenase E3 Deficiency; MAPLE SYRUP URINE DISEASE, TYPE III; Dihydrolipoamide Dehydrogenase (E3) Deficiency; DLD DEFICIENCY; E3 DEFICIENCY; Lipoamide dehydrogenase deficiency, lactic acidosis due to. Identifiers: Orphanet 2394, Orphanet 765, MedGen C5574660, MONDO:0009529, OMIM 246900.

Submission:

Labcorp Genetics (formerly Invitae), Labcorp
Classification: Pathogenic for Pyruvate dehydrogenase E3 deficiency. Last evaluated: 2021-12-24. Review status: criteria provided, single submitter. Criteria: Invitae Variant Classification Sherloc (09022015). Collection method: clinical testing. Allele origin: germline.
Comment: This sequence change creates a premature translational stop signal (p.Ile372Metfs*3) in the DLD gene. It is expected to result in an absent or disrupted protein product. Loss-of-function variants in DLD are known to be pathogenic (PMID: 8968745, 9934985). This variant is not present in population databases (gnomAD no frequency). This variant has not been reported in the literature in individuals affected with DLD-related conditions. For these reasons, this variant has been classified as Pathogenic.

Literature cited by the submitters: PubMed 8968745; PubMed 9934985.

NM_000108.5(DLD):c.1116_1117del (p.Ile372fs)

Gene: DLD (dihydrolipoamide dehydrogenase; plus strand). Cytogenetic location: 7q31.1.
Variant type: Deletion.
Coding change: c.1116_1117del on transcript NM_000108.5 (MANE Select); coding-DNA positions 1116 to 1117, 2 bases deleted (CT; older notation c.1116_1117delCT).
Protein change: p.Ile372fs; shifts the reading frame from isoleucine 372.
Molecular consequence: frameshift variant.
Genome position (GRCh38, 1-based): chr7:107,917,342-107,917,343, CT deleted; deleting any 2 consecutive bases within chr7:107,917,341-107,917,343 gives the same sequence; the c. name uses the placement nearest the transcript's 3' end. VCF-style (leftmost placement, unchanged base first): chr7-107917340-ATC-A. GRCh37 (hg19) VCF-style: chr7-107557785-ATC-A.
Other names: c.819_820del, p.Ile273fs (NM_001289750.1); c.1047_1048del, p.Ile349fs (NM_001289751.1); c.972_973del, p.Ile324fs (NM_001289752.1); short protein forms I273fs, I372fs, I349fs, I324fs.
Identifiers: ClinVar variation 2057359 (VCV002057359.4), dbSNP rs2535602349, ClinGen allele CA2580076207.